The following is an entry in ClinVar:

ClinVar aggregate classification (germline): Uncertain significance (1 of 4 stars; one submission).

Conditions:
Autosomal dominant nonsyndromic hearing loss 1. Also called: DEAFNESS, AUTOSOMAL DOMINANT 1, WITH OR WITHOUT THROMBOCYTOPENIA; KONIGSMARK SYNDROME. Identifiers: Orphanet 90635, MedGen C1852282, MONDO:0007424, OMIM 124900.
Progressive microcephaly-seizures-cortical blindness-developmental delay syndrome. Also called: Seizures, cortical blindness, and microcephaly syndrome. Identifiers: Orphanet 477814, MedGen C5567650, MONDO:0014714, OMIM 616632.

Submission:

Labcorp Genetics (formerly Invitae), Labcorp
Classification: Uncertain significance for Progressive microcephaly-seizures-cortical blindness-developmental delay syndrome; Autosomal dominant nonsyndromic hearing loss 1. Last evaluated: 2023-09-10. Review status: criteria provided, single submitter. Criteria: Invitae Variant Classification Sherloc (09022015). Collection method: clinical testing. Allele origin: germline.
Comment: In summary, the available evidence is currently insufficient to determine the role of this variant in disease. Therefore, it has been classified as a Variant of Uncertain Significance. This sequence change replaces methionine, which is neutral and non-polar, with threonine, which is neutral and polar, at codon 1111 of the DIAPH1 protein (p.Met1111Thr). This variant is not present in population databases (gnomAD no frequency). This variant has not been reported in the literature in individuals affected with DIAPH1-related conditions. ClinVar contains an entry for this variant (Variation ID: 1360453). An algorithm developed to predict the effect of missense changes on protein structure and function (PolyPhen-2) suggests that this variant is likely to be disruptive.

NM_005219.5(DIAPH1):c.3332T>C (p.Met1111Thr)

Gene: DIAPH1 (diaphanous related formin 1; minus strand). Cytogenetic location: 5q31.3.
Variant type: single nucleotide variant.
Coding change: c.3332T>C on transcript NM_005219.5 (MANE Select); coding-DNA position 3332, T replaced by C.
Protein change: p.Met1111Thr; replaces methionine 1111 with threonine.
Molecular consequence: missense variant.
Genome position (GRCh38, 1-based): chr5:141,526,403, A>G on the plus strand (T>C on the coding strand, the complement: DIAPH1 is on the minus strand). VCF-style: chr5-141526403-A-G. GRCh37 (hg19) VCF-style: chr5-140905970-A-G.
Other names: c.3305T>C, p.Met1102Thr (NM_001079812.3); c.3332T>C, p.Met1111Thr (NM_001314007.2); short protein forms M1102T, M1111T.
Identifiers: ClinVar variation 1360453 (VCV001360453.8), dbSNP rs893998939, ClinGen allele CA128423948.